The following is an entry in ClinVar:

NM_000143.4(FH):c.1394A>G (p.Tyr465Cys)

Gene: FH (fumarate hydratase; minus strand). Cytogenetic location: 1q43.
Variant type: single nucleotide variant.
Coding change: c.1394A>G on transcript NM_000143.4 (MANE Select); coding-DNA position 1394, A replaced by G.
Protein change: p.Tyr465Cys; replaces tyrosine 465 with cysteine.
Molecular consequence: missense variant.
Genome position (GRCh38, 1-based): chr1:241,497,967, T>C on the plus strand (A>G on the coding strand, the complement: FH is on the minus strand). VCF-style: chr1-241497967-T-C. GRCh37 (hg19) VCF-style: chr1-241661267-T-C.
Other names: p.Y465C:TAT>TGT; short protein forms Y465C.
Identifiers: ClinVar variation 214425 (VCV000214425.18), dbSNP rs863224010, ClinGen allele CA321656.

ClinVar aggregate classification (germline): Pathogenic/Likely pathogenic. Review status: criteria provided, multiple submitters, no conflicts (2 of 4 stars). 7 submissions from 7 submitters: Pathogenic (2); Likely pathogenic (5). Last evaluated 2025-09-25.

Conditions:
Hereditary leiomyomatosis and renal cell cancer. Also called: LEIOMYOMA, MULTIPLE CUTANEOUS; Reed syndrome; Multiple cutaneous and uterine leiomyomatosis; Cutaneous leiomyomata with uterine leiomyomata; Leiomyoma, hereditary multiple, of skin; Multiple cutaneous and uterine leiomyomata. Identifiers: Orphanet 523, MedGen C1708350, MONDO:0007888, OMIM 150800, HP:0007437. Disease mechanism: loss of function.
Hereditary cancer-predisposing syndrome. Also called: Tumor predisposition; Hereditary Cancer Syndrome; Hereditary neoplastic syndrome; Neoplastic Syndromes, Hereditary. Identifiers: Orphanet 140162, MedGen C0027672, MeSH D009386, MONDO:0015356.

Allele frequency attached by ClinVar (database versions not stated): TOPMed below 0.00001; gnomAD 0.00001.
gnomAD v4.1: 1 of 1,613,884 alleles (0.000062%); highest among the groups gnomAD compares: Non-Finnish European, 0.000085%; no homozygotes.

Submissions (7):

Labcorp Genetics (formerly Invitae), Labcorp
Classification: Pathogenic. Last evaluated: 2025-09-25. Review status: criteria provided, single submitter. Criteria: Invitae Variant Classification Sherloc (09022015). Collection method: clinical testing. Allele origin: germline.
Comment: This sequence change replaces tyrosine, which is neutral and polar, with cysteine, which is neutral and slightly polar, at codon 465 of the FH protein (p.Tyr465Cys). This variant is not present in population databases (gnomAD no frequency). This missense change has been observed in individual(s) with hereditary leiomyomatosis and renal cell cancer (PMID: 12772087, 31444830; internal data). This variant is also known as 1265A>G (Y422C). ClinVar contains an entry for this variant (Variation ID: 214425). Invitae Evidence Modeling of protein sequence and biophysical properties (such as structural, functional, and spatial information, amino acid conservation, physicochemical variation, residue mobility, and thermodynamic stability) indicates that this missense variant is expected to disrupt FH protein function with a positive predictive value of 95%. Experimental studies have shown that this missense change affects FH function (PMID: 16597677). For these reasons, this variant has been classified as Pathogenic.

Quest Diagnostics Nichols Institute San Juan Capistrano
Classification: Likely pathogenic. Last evaluated: 2025-08-11. Review status: criteria provided, single submitter. Criteria: Quest Diagnostics criteria. Collection method: clinical testing. Allele origin: unknown.
Comment: The FH c.1394A>G (p.Tyr465Cys) variant has been reported in the published literature in individuals and families with hereditary leiomyomatosis and renal cell cancer (HLRCC) (PMIDs: 34654685 (2021), 31444830 (2020), 28873162 (2017), 12772087 (2003)). Assessment of one functional study suggests this variant results in abnormal protein function (PMID: 16597677 (2006)). The frequency of this variant in the general population (Genome Aggregation Database) is uninformative in the assessment of its pathogenicity. Analysis of this variant using bioinformatics tools for the prediction of the effect of amino acid changes on protein structure and function yielded predictions that this variant is damaging. Based on the available information, this variant is classified as likely pathogenic.

Myriad Genetics, Inc.
Classification: Likely pathogenic for Hereditary leiomyomatosis and renal cell cancer. Last evaluated: 2025-05-13. Review status: criteria provided, single submitter. Criteria: Myriad Autosomal Dominant, Autosomal Recessive and X-Linked Classification Criteria (2023). Collection method: clinical testing. Allele origin: unknown.
Comment: This variant is considered likely pathogenic. Functional studies indicate this variant impacts protein function [PMID: 16597677]. This variant has been reported in multiple individuals with clinical features of gene-specific disease [PMID: 16237213, 12772087, 31444830].

Ambry Genetics
Classification: Pathogenic for Hereditary cancer-predisposing syndrome. Last evaluated: 2024-04-11. Review status: criteria provided, single submitter. Criteria: Ambry Variant Classification Scheme 2023. Collection method: clinical testing. Allele origin: germline.
Comment: The p.Y465C pathogenic mutation (also known as c.1394A>G), located in coding exon 10 of the FH gene, results from an A to G substitution at nucleotide position 1394. The tyrosine at codon 465 is replaced by cysteine, an amino acid with highly dissimilar properties. This alteration has been reported in multiple unrelated individuals with a clinical diagnosis of hereditary leiomyomatosis and renal cell cancer (HLRCC) (Toro JR et al. Am. J. Hum. Genet. 2003 Jul;73:95-106; Ambry internal data). Of note, this alteration is also designated as Y422C in the published literature. This alteration has been shown to be functionally deleterious by exhibiting reduced fumarate hydratase enzyme activity in lymphocytes (Pithukpakorn M et al. J. Med. Genet. 2006 Sep;43:755-62). This amino acid position is highly conserved in available vertebrate species. In addition, this alteration is predicted to be deleterious by in silico analysis. This variant is considered to be rare based on population cohorts in the Genome Aggregation Database (gnomAD). Based on the supporting evidence, this alteration is interpreted as a disease-causing mutation.

MGZ Medical Genetics Center
Classification: Likely pathogenic for Hereditary leiomyomatosis and renal cell cancer. Last evaluated: 2021-12-27. Review status: criteria provided, single submitter. Criteria: ACMG Guidelines, 2015. Collection method: clinical testing. Allele origin: germline. Affected: yes. Observed: 1 variant allele.
Comment: ACMG criteria applied: PS4_MOD, PS3_SUP, PM2_SUP, PP3, PP4

GeneDx
Classification: Likely pathogenic. Last evaluated: 2021-10-21. Review status: criteria provided, single submitter. Criteria: GeneDx Variant Classification Process June 2021. Collection method: clinical testing. Allele origin: germline. Affected: yes.
Comment: Published functional studies demonstrate a damaging effect: reduced fumarate hydratase activity compared to control cell lines (Pithukpakorn 2006); Not observed at significant frequency in large population cohorts (Lek 2016); In silico analysis supports that this missense variant has a deleterious effect on protein structure/function; This variant is associated with the following publications: (PMID: 16757530, 16237213, 21398687, 21445611, 18366737, 12772087, 31444830, 16597677)

Genomic Diagnostic Laboratory, Division of Genomic Diagnostics, Children's Hospital of Philadelphia
Classification: Likely pathogenic for Hereditary leiomyomatosis and renal cell cancer. Last evaluated: 2017-01-17. Review status: criteria provided, single submitter. Criteria: DGD Variant Analysis Guidelines. Collection method: clinical testing. Allele origin: germline. Affected: yes. Observed: 3 variant alleles.
Comment: Clinical Testing

Literature cited by the submitters: PubMed 12772087 (cited by 4 submitters); PubMed 31444830 (cited by 3 submitters); PubMed 16597677 (cited by 4 submitters); PubMed 28873162 (cited by Quest Diagnostics Nichols Institute San Juan Capistrano); PubMed 34654685 (cited by Quest Diagnostics Nichols Institute San Juan Capistrano); PubMed 16237213 (cited by Myriad Genetics, Inc.); PubMed 21445611 (cited by Ambry Genetics).